The following is an entry in ClinVar:

NM_001010987.2(IFIT1B):c.1102C>T (p.Arg368Cys)

Genes: IFIT1B (interferon induced protein with tetratricopeptide repeats 1B; plus strand), LIPA (lipase A, lysosomal acid type; minus strand). Cytogenetic location: 10q23.31.
Variant type: single nucleotide variant.
Coding change: c.1102C>T on transcript NM_001010987.2 (MANE Select); coding-DNA position 1102, C replaced by T.
Protein change: p.Arg368Cys; replaces arginine 368 with cysteine.
Molecular consequence: missense variant.
Genome position (GRCh38, 1-based): chr10:89,384,415, C>T. VCF-style: chr10-89384415-C-T. GRCh37 (hg19) VCF-style: chr10-91144172-C-T.
Other names: short protein forms R368C.
Identifiers: ClinVar variation 3336058 (VCV003336058.1).

ClinVar aggregate classification (germline): Likely benign (1 of 4 stars; one submission).

gnomAD v4.1: 4,152 of 1,614,120 alleles (0.26%); highest among the groups gnomAD compares: Non-Finnish European, 0.33%; 12 homozygotes.

Submission:

Women's Health and Genetics/Laboratory Corporation of America, LabCorp
Classification: Likely benign. Last evaluated: 2024-05-09. Review status: criteria provided, single submitter. Criteria: LabCorp Variant Classification Summary - May 2015. Collection method: clinical testing. Allele origin: germline.
Comment: Variant summary: IFIT1B c.1102C>T (p.Arg368Cys) results in a non-conservative amino acid change in the encoded protein sequence. Four of five in-silico tools predict a benign effect of the variant on protein function. The variant allele was found at a frequency of 0.0026 in 1614120 control chromosomes in the gnomAD database, including 12 homozygotes, strongly suggesting that the variant is benign. To our knowledge, no occurrence of c.1102C>T in individuals affected with IFIT1B Related Disorders and no experimental evidence demonstrating its impact on protein function have been reported. No submitters have cited clinical-significance assessments for this variant to ClinVar. Based on the evidence outlined above, the variant was classified as likely benign.